The following is an entry in ClinVar:

NM_177438.3(DICER1):c.4207-18C>T

Gene: DICER1 (dicer 1, ribonuclease III; minus strand). Cytogenetic location: 14q32.13.
Variant type: single nucleotide variant.
Coding change: c.4207-18C>T on transcript NM_177438.3 (MANE Select); 18 bases into the intron before coding-DNA position 4207, C replaced by T.
Molecular consequence: intron variant.
Genome position (GRCh38, 1-based): chr14:95,096,731, G>A on the plus strand (C>T on the coding strand, the complement: DICER1 is on the minus strand). VCF-style: chr14-95096731-G-A. GRCh37 (hg19) VCF-style: chr14-95563068-G-A.
Other names: c.4207-18C>T (NM_001291628.2, NM_030621.4, NM_001395677.1 and 12 more transcripts); c.3802-18C>T (NM_001395690.1, NM_001395687.1, NM_001395689.1 and 2 more transcripts); c.3925-18C>T (NM_001395686.1); c.3640-18C>T (NM_001395691.1); c.2524-18C>T (NM_001395697.1).
Identifiers: ClinVar variation 3706185 (VCV003706185.3).

ClinVar aggregate classification (germline): Likely benign. Review status: criteria provided, multiple submitters, no conflicts (2 of 4 stars). 2 submissions from 2 submitters: Likely benign (2). Last evaluated 2026-08-17.

Conditions:
DICER1-related tumor predisposition. Also called: DICER1-related pleuropulmonary blastoma cancer predisposition syndrome; DICER1 syndrome. Identifiers: Orphanet 284343, MedGen C3839822, MONDO:0100216.

Submissions (2):

Myriad Genetics, Inc.
Classification: Likely benign for DICER1-related tumor predisposition. Last evaluated: 2026-08-17. Review status: criteria provided, single submitter. Criteria: Myriad Autosomal Dominant, Autosomal Recessive and X-Linked Classification Criteria (2023). Collection method: clinical testing. Allele origin: unknown.
Comment: This variant is considered likely benign. This variant is intronic and is not expected to impact mRNA splicing.

Labcorp Genetics (formerly Invitae), Labcorp
Classification: Likely benign for DICER1-related tumor predisposition. Last evaluated: 2025-10-23. Review status: criteria provided, single submitter. Criteria: Invitae Variant Classification Sherloc (09022015). Collection method: clinical testing. Allele origin: germline.